The following is an entry in ClinVar:

NM_138711.6(PPARG):c.1271del (p.Pro424fs)

Gene: PPARG (peroxisome proliferator activated receptor gamma; plus strand). Cytogenetic location: 3p25.2.
Variant type: Deletion.
Coding change: c.1271del on transcript NM_138711.6 (MANE Select); coding-DNA position 1271, one base deleted (C; older notation c.1271delC).
Protein change: p.Pro424fs; shifts the reading frame from proline 424.
Molecular consequence: frameshift variant. On other transcripts: 3 prime UTR variant (5).
Genome position (GRCh38, 1-based): chr3:12,433,988, C deleted; the last of 3 consecutive C bases (chr3:12,433,986-12,433,988); deleting any one gives the same sequence. VCF-style (leftmost placement, unchanged base first): chr3-12433985-AC-A. GRCh37 (hg19) VCF-style: chr3-12475484-AC-A.
Other names: c.*73del (NM_001330615.4, NM_001374261.3, NM_001374262.3 and 1 more transcripts); c.1271del, p.Pro424fs (NM_001354666.3, NM_001354667.3, NM_001374263.2 and 3 more transcripts); c.644del, p.Pro215fs (NM_001354669.2); c.*57del (NM_001374266.1); c.1361del, p.Pro454fs (NM_015869.5); c.1361delC (NM_015869.4); short protein forms P215fs, P454fs, P424fs.
Identifiers: ClinVar variation 436405 (VCV000436405.10), dbSNP rs770557781, ClinGen allele CA2258355.

ClinVar aggregate classification (germline): Pathogenic. Review status: criteria provided, multiple submitters, no conflicts (2 of 4 stars). 4 submissions from 4 submitters: Pathogenic (3). 1 of the submissions does not count toward it. Last evaluated 2024-10-30.

Conditions:
PPARG-related disorder. Also called: PPARG-related condition; PPARG-related disorders.
PPARG-related familial partial lipodystrophy. Also called: LIPODYSTROPHY, FAMILIAL PARTIAL, ASSOCIATED WITH PPARG MUTATIONS. Identifiers: Orphanet 79083, MedGen C1720861, MONDO:0011448, OMIM 604367.

Submissions (4):

Labcorp Genetics (formerly Invitae), Labcorp
Classification: Pathogenic. Last evaluated: 2024-10-30. Review status: criteria provided, single submitter. Criteria: Invitae Variant Classification Sherloc (09022015). Collection method: clinical testing. Allele origin: germline.
Comment: This sequence change creates a premature translational stop signal (p.Pro454Leufs*14) in the PPARG gene. While this is not anticipated to result in nonsense mediated decay, it is expected to disrupt the last 52 amino acid(s) of the PPARG protein. This variant is present in population databases (rs770557781, gnomAD 0.006%). This variant has not been reported in the literature in individuals affected with PPARG-related conditions. ClinVar contains an entry for this variant (Variation ID: 436405). This variant disrupts a region of the PPARG protein in which other variant(s) (p.Pro495Leu) have been determined to be pathogenic (PMID: 10622252, 12663460, 15254591, 17003330, 22539598). This suggests that this is a clinically significant region of the protein, and that variants that disrupt it are likely to be disease-causing. For these reasons, this variant has been classified as Pathogenic.

Blueprint Genetics
Classification: Pathogenic for PPARG-related disorders. Last evaluated: 2023-10-13. Review status: criteria provided, single submitter. Criteria: ACMG Guidelines, 2015. Collection method: clinical testing. Allele origin: germline. Affected: yes. Observed: 5 variant alleles.

Genetic Services Laboratory, University of Chicago
Classification: Pathogenic for Lipodystrophy, familial partial, type 3. Last evaluated: 2016-07-22. Review status: criteria provided, single submitter. Criteria: ACMG Guidelines, 2015. Collection method: clinical testing. Allele origin: germline. Affected: yes.

PreventionGenetics, part of Exact Sciences
Classification: Likely pathogenic for PPARG-related condition. Last evaluated: 2024-03-12. Review status: no assertion criteria provided. Collection method: clinical testing. Allele origin: germline. Not counted in ClinVar's aggregate classification.
Comment: The PPARG c.1361delC variant is predicted to result in a frameshift and premature protein termination (p.Pro454Leufs*14). This variant was reported in at least one individual in a large dyslipidemia and metabolic cohort (Dron et al. 2020. PubMed ID: 32041611). This variant is reported in 0.0058% of alleles in individuals of Latino descent in gnomAD. Frameshift variants in PPARG are expected to be pathogenic. This variant is interpreted as likely pathogenic.

Literature cited by the submitters: PubMed 10622252 (cited by Labcorp Genetics (formerly Invitae), Labcorp); PubMed 12663460 (cited by Labcorp Genetics (formerly Invitae), Labcorp); PubMed 15254591 (cited by Labcorp Genetics (formerly Invitae), Labcorp); PubMed 17003330 (cited by Labcorp Genetics (formerly Invitae), Labcorp); PubMed 22539598 (cited by Labcorp Genetics (formerly Invitae), Labcorp).